The following is an entry in ClinVar:

ClinVar aggregate classification (germline): Benign. Review status: criteria provided, multiple submitters, no conflicts (2 of 4 stars). 5 submissions from 5 submitters: Benign (3). 2 of the submissions do not count toward it. Last evaluated 2023-10-01.

Conditions:
Occult macular dystrophy (OCMD). Also called: OMD; OCCULT MACULAR DYSTROPHY, SUSCEPTIBILITY TO. Identifiers: Orphanet 247834, MedGen C3150833, MONDO:0013316, OMIM 613587, HP:0030636.
Retinal dystrophy. Also called: Inherited retinal dystrophy. Identifiers: Orphanet 71862, MedGen C0854723, MeSH D058499, MONDO:0019118, HP:0000556.

Allele frequency attached by ClinVar (database versions not stated): ESP Exome Variant Server 0.44982; gnomAD exomes 0.44989 and 0.37442; 1000 Genomes Project 0.31070; 1000 Genomes Project 30x 0.31730; ExAC 0.38257; TOPMed 0.40402; gnomAD 0.41244 and 0.42095.
gnomAD v4.1: 719,230 of 1,612,880 alleles (45%); highest among the groups gnomAD compares: Non-Finnish European, 49%; 168,249 homozygotes.

Submissions (5):

Dept Of Ophthalmology, Nagoya University
Classification: Benign for Retinal dystrophy. Last evaluated: 2023-10-01. Review status: criteria provided, single submitter. Criteria: Submitter's publication. Collection method: research. Allele origin: germline. Affected: yes.

Illumina Laboratory Services, Illumina
Classification: Benign for Occult macular dystrophy. Last evaluated: 2018-01-12. Review status: criteria provided, single submitter. Criteria: ICSL Variant Classification Criteria 13 December 2019. Collection method: clinical testing. Allele origin: germline.
Comment: This variant was observed in the ICSL laboratory as part of a predisposition screen in an ostensibly healthy population. It had not been previously curated by ICSL or reported in the Human Gene Mutation Database (HGMD: prior to June 1st, 2018), and was therefore a candidate for classification through an automated scoring system. Utilizing variant allele frequency, disease prevalence and penetrance estimates, and inheritance mode, an automated score was calculated to assess if this variant is too frequent to cause the disease. Based on the score and internal cut-off values, a variant classified as benign is not then subjected to further curation. The score for this variant resulted in a classification of benign for this disease.

Breakthrough Genomics
Classification: Benign. Review status: criteria provided, single submitter. Criteria: ACMG Guidelines, 2015. Collection method: not provided. Allele origin: germline. Inheritance: Autosomal recessive inheritance. Affected: yes.

Diagnostic Laboratory, Department of Genetics, University Medical Center Groningen
Classification: Benign. Review status: no assertion criteria provided. Collection method: clinical testing. Allele origin: germline. Affected: yes. Study: VKGL Data-share Consensus. Not counted in ClinVar's aggregate classification.

Joint Genome Diagnostic Labs from Nijmegen and Maastricht, Radboudumc and MUMC+
Classification: Benign. Review status: no assertion criteria provided. Collection method: clinical testing. Allele origin: germline. Affected: yes. Study: VKGL Data-share Consensus. Not counted in ClinVar's aggregate classification.

NM_178857.6(RP1L1):c.5126C>T (p.Ala1709Val)

Gene: RP1L1 (RP1 like 1). Cytogenetic location: 8p23.1.
Variant type: single nucleotide variant.
Coding change: c.5126C>T on transcript NM_178857.6 (MANE Select); coding-DNA position 5126, C replaced by T.
Protein change: p.Ala1709Val; replaces alanine 1709 with valine.
Molecular consequence: missense variant.
Genome position (GRCh38, 1-based): chr8:10,608,972, G>A on the plus strand (C>T on the coding strand, the complement: RP1L1 is on the minus strand). VCF-style: chr8-10608972-G-A. GRCh37 (hg19) VCF-style: chr8-10466482-G-A.
Other names: short protein forms A1709V.
Identifiers: ClinVar variation 361259 (VCV000361259.12), dbSNP rs13267180, ClinGen allele CA4623759.
Genomic context (GRCh38, chr8:10,608,972, plus strand): 5'-CCTCCCTCAGCTCCCTGGACAGTCCTAGTGCTCGTGGGGTCCGTGTGGGTCTTGCCAGGG[G>A]CCACCTCTGCTGCCTCCCCATCAGTGTGTTCTCCCCTCTTCCTCTGCAGAATCTGCTGCA-3'
Protein context (NP_849188.4, residues 1699-1719): EHTDGEAAEV[Ala1709Val]PGKTHTDPTS